The following is an entry in ClinVar:

NM_000350.3(ABCA4):c.2300T>A (p.Val767Asp)

Gene: ABCA4 (ATP binding cassette subfamily A member 4; minus strand). Cytogenetic location: 1p22.1.
Variant type: single nucleotide variant.
Coding change: c.2300T>A on transcript NM_000350.3 (MANE Select); coding-DNA position 2300, T replaced by A.
Protein change: p.Val767Asp; replaces valine 767 with aspartic acid.
Molecular consequence: missense variant.
Genome position (GRCh38, 1-based): chr1:94,056,683, A>T on the plus strand (T>A on the coding strand, the complement: ABCA4 is on the minus strand). VCF-style: chr1-94056683-A-T. GRCh37 (hg19) VCF-style: chr1-94522239-A-T.
Other names: short protein forms V767D.
Identifiers: ClinVar variation 99127 (VCV000099127.60), dbSNP rs61751395, ClinGen allele CA226990.

ClinVar aggregate classification (germline): Pathogenic/Likely pathogenic. Review status: criteria provided, multiple submitters, no conflicts (2 of 4 stars). 10 submissions from 9 submitters: Pathogenic (8); Likely pathogenic (1). 1 of the submissions does not count toward it. Last evaluated 2026-02-17.

Conditions:
ABCA4-related disorder. Also called: ABCA4-related condition; ABCA4-related disorders. Identifiers: MedGen CN239167.
Retinal dystrophy. Also called: Inherited retinal dystrophy. Identifiers: Orphanet 71862, MedGen C0854723, MeSH D058499, MONDO:0019118, HP:0000556.
Retinitis pigmentosa (RP). Identifiers: Orphanet 791, MedGen C0035334, MeSH D012174, MONDO:0019200, OMIM 268000. Inheritance: Autosomal dominant, autosomal recessive and X linked inheritance.
Severe early-childhood-onset retinal dystrophy (STGD1). Also called: MACULAR DYSTROPHY WITH FLECKS, TYPE 1; STGD; Stargardt macular dystrophy; Juvenile onset macular degeneration; Stargardt disease 1. Identifiers: Orphanet 364055, Orphanet 827, MedGen C1855465, MeSH D000080362, MONDO:0009549, OMIM 248200.

Allele frequency attached by ClinVar (database versions not stated): ExAC 0.00001; gnomAD exomes 0.00001 and 0.00002; TOPMed 0.00002; gnomAD 0.00003 and 0.00004.
gnomAD v4.1: 18 of 1,614,034 alleles (0.0011%); highest among the groups gnomAD compares: Non-Finnish European, 0.0015%; no homozygotes.

Submissions (10):

PreventionGenetics, part of Exact Sciences
Classification: Pathogenic for ABCA4-related condition. Last evaluated: 2026-02-17. Review status: criteria provided, single submitter. Criteria: ACMG Guidelines, 2015. Collection method: clinical testing. Allele origin: germline.
Comment: The ABCA4 c.2300T>A variant is predicted to result in the amino acid substitution p.Val767Asp. This variant has been reported in multiple individuals with Stargardt disease or ABCA4-related retinopathy (see for examples: Simonelli et al. 2000. PubMed ID: 10711710; Bertelsen et al. 2014. PubMed ID: 24713488; Table S1, Stone et al. 2017. PubMed ID: 28559085). Functional studies have demonstrated that the variant reduces protein expression (Shroyer et al. 2001. PubMed ID: 11687513). This variant is present in 0.0044% of alleles in individuals of European (Non-Finnish) descent in gnomAD. This variant is interpreted as pathogenic.

Labcorp Genetics (formerly Invitae), Labcorp
Classification: Pathogenic. Last evaluated: 2026-01-19. Review status: criteria provided, single submitter. Criteria: Invitae Variant Classification Sherloc (09022015). Collection method: clinical testing. Allele origin: germline.
Comment: This sequence change replaces valine, which is neutral and non-polar, with aspartic acid, which is acidic and polar, at codon 767 of the ABCA4 protein (p.Val767Asp). This variant is present in population databases (rs61751395, gnomAD 0.004%). This missense change has been observed in individuals with Stargardt disease, retinitis pigmentosa or generalized choriocapillaris dystrophy (PMID: 10711710, 11687513, 24713488, 28559085, 29555955, 29925512). It has also been observed to segregate with disease in related individuals. ClinVar contains an entry for this variant (Variation ID: 99127). Invitae Evidence Modeling of protein sequence and biophysical properties (such as structural, functional, and spatial information, amino acid conservation, physicochemical variation, residue mobility, and thermodynamic stability) indicates that this missense variant is expected to disrupt ABCA4 protein function with a positive predictive value of 95%. Experimental studies have shown that this missense change affects ABCA4 function (PMID: 11687513). For these reasons, this variant has been classified as Pathogenic.

Women's Health and Genetics/Laboratory Corporation of America, LabCorp
Classification: Pathogenic for Retinitis pigmentosa. Last evaluated: 2025-04-18. Review status: criteria provided, single submitter. Criteria: LabCorp Variant Classification Summary - May 2015. Collection method: clinical testing. Allele origin: germline.
Comment: Variant summary: ABCA4 c.2300T>A (p.Val767Asp) results in a non-conservative amino acid change in the encoded protein sequence. Three of five in-silico tools predict a damaging effect of the variant on protein function. The variant allele was found at a frequency of 2e-05 in 251114 control chromosomes. c.2300T>A has been observed in individuals with Stargardt disease, retinitis pigmentosa or generalized choriocapillaris dystrophy (Shroyer_2001, Simonelli_2000, Bertelsen_2014, Stone_2018, Britel_2018, Fujinami_2018). These data indicate that the variant is very likely to be associated with disease. Experimental studies have shown that this missense change affects ABCA4 function (Shroyer_2001). The following publications have been ascertained in the context of this evaluation (PMID: 11687513, 10711710, 24713488, 28559085, 29555955, 29925512). ClinVar contains an entry for this variant (Variation ID: 99127). Based on the evidence outlined above, the variant was classified as pathogenic.

MGZ Medical Genetics Center
Classification: Likely pathogenic for Severe early-childhood-onset retinal dystrophy. Last evaluated: 2022-06-01. Review status: criteria provided, single submitter. Criteria: ACMG Guidelines, 2015. Collection method: clinical testing. Allele origin: germline. Affected: yes. Observed: 1 variant allele.
Comment: ACMG criteria applied: PS3, PM3, PM2_SUP, PP3

Institute of Human Genetics, Univ. Regensburg, Univ. Regensburg
Classification: Pathogenic for Retinal dystrophy. Last evaluated: 2022-01-01. Review status: criteria provided, single submitter. Criteria: ACMG Guidelines, 2015. Collection method: clinical testing. Allele origin: germline. Affected: yes.

Blueprint Genetics
Classification: Pathogenic for ABCA4-related disorders. Last evaluated: 2021-12-28. Review status: criteria provided, single submitter. Criteria: ACMG Guidelines, 2015. Collection method: clinical testing. Allele origin: germline. Affected: yes. Observed: 5 variant alleles.

GeneDx
Classification: Pathogenic. Last evaluated: 2021-12-08. Review status: criteria provided, single submitter. Criteria: GeneDx Variant Classification Process June 2021. Collection method: clinical testing. Allele origin: germline. Affected: yes.
Comment: Published functional studies demonstrate a damaging effect (severe reduction in protein expression) (Shroyer et al., 2001); In silico analysis supports that this missense variant has a deleterious effect on protein structure/function; This variant is associated with the following publications: (PMID: 12442277, 15942264, 21911583, 22229821, 15494742, 15192030, 11328725, 10711710, 17325136, 22661472, 24713488, 23096905, 25097154, 20696155, 31589614, 32619608, 29925512, 28559085, 29555955, 11687513)

CeGaT Center for Human Genetics Tuebingen
Classification: Pathogenic. Last evaluated: 2016-11-01. Review status: criteria provided, single submitter. Criteria: CeGaT Center For Human Genetics Tuebingen Variant Classification Criteria Version 2. Collection method: clinical testing. Allele origin: germline. Affected: yes. Observed: 1 variant allele.

Institute of Human Genetics, Univ. Regensburg, Univ. Regensburg
Classification: Pathogenic for Severe early-childhood-onset retinal dystrophy. Last evaluated: 2016-01-01. Review status: criteria provided, single submitter. Criteria: Schulz et al. (Invest Ophthalmol Vis Sci. 2017). Collection method: clinical testing. Allele origin: germline. Affected: yes. Observed: 4 heterozygotes.

Retina International
No classification provided. Review status: no classification provided. Collection method: not provided. Allele origin: not provided. Not counted in ClinVar's aggregate classification.

Literature cited by the submitters: PubMed 10711710 (cited by 3 submitters); PubMed 11687513 (cited by 3 submitters); PubMed 24713488 (cited by 3 submitters); PubMed 28559085 (cited by 3 submitters); PubMed 29555955 (cited by 3 submitters); PubMed 29925512 (cited by 3 submitters); PubMed 31589614 (cited by Institute of Human Genetics, Univ. Regensburg, Univ. Regensburg); PubMed 32619608 (cited by Institute of Human Genetics, Univ. Regensburg, Univ. Regensburg); PubMed 33375396 (cited by Institute of Human Genetics, Univ. Regensburg, Univ. Regensburg); PubMed 31964843 (cited by Institute of Human Genetics, Univ. Regensburg, Univ. Regensburg); PubMed 32531858 (cited by Institute of Human Genetics, Univ. Regensburg, Univ. Regensburg); PubMed 35119454 (cited by Institute of Human Genetics, Univ. Regensburg, Univ. Regensburg); PubMed 35260635 (cited by Institute of Human Genetics, Univ. Regensburg, Univ. Regensburg); PubMed 36460718 (cited by Institute of Human Genetics, Univ. Regensburg, Univ. Regensburg); PubMed 36819107 (cited by Institute of Human Genetics, Univ. Regensburg, Univ. Regensburg).